The following is an entry in ClinVar:

ClinVar aggregate classification (germline): Uncertain significance. Review status: criteria provided, multiple submitters, no conflicts (2 of 4 stars). 2 submissions from 2 submitters: Uncertain significance (2). Last evaluated 2022-08-19.

Conditions:
Very long chain acyl-CoA dehydrogenase deficiency (ACADVLD). Also called: Very Long-Chain Acyl-Coenzyme A Dehydrogenase Deficiency; VLCAD Deficiency. Identifiers: Orphanet 26793, MedGen C3887523, MONDO:0008723, OMIM 201475.

Allele frequency attached by ClinVar (database versions not stated): ExAC 0.00002; TOPMed 0.00002; gnomAD 0.00003; gnomAD exomes 0.00003 and 0.00006; ESP Exome Variant Server 0.00008.
gnomAD v4.1: 95 of 1,613,970 alleles (0.0059%); highest among the groups gnomAD compares: Non-Finnish European, 0.0076%; no homozygotes.

Submissions (2):

Labcorp Genetics (formerly Invitae), Labcorp
Classification: Uncertain significance for Very long chain acyl-CoA dehydrogenase deficiency. Last evaluated: 2022-08-19. Review status: criteria provided, single submitter. Criteria: Invitae Variant Classification Sherloc (09022015). Collection method: clinical testing. Allele origin: germline.
Comment: This sequence change replaces glutamic acid, which is acidic and polar, with glutamine, which is neutral and polar, at codon 115 of the ACADVL protein (p.Glu115Gln). This variant is present in population databases (rs370146676, gnomAD 0.008%). This variant has not been reported in the literature in individuals affected with ACADVL-related conditions. ClinVar contains an entry for this variant (Variation ID: 932887). Algorithms developed to predict the effect of missense changes on protein structure and function are either unavailable or do not agree on the potential impact of this missense change (SIFT: "Deleterious"; PolyPhen-2: "Benign"; Align-GVGD: "Class C0"). Algorithms developed to predict the effect of sequence changes on RNA splicing suggest that this variant may disrupt the consensus splice site. In summary, the available evidence is currently insufficient to determine the role of this variant in disease. Therefore, it has been classified as a Variant of Uncertain Significance.

Wong Mito Lab, Molecular and Human Genetics, Baylor College of Medicine
Classification: Uncertain significance for Very long chain acyl-CoA dehydrogenase deficiency. Last evaluated: 2019-11-01. Review status: criteria provided, single submitter. Criteria: ACMG Guidelines, 2015. Collection method: clinical testing. Allele origin: germline.
Comment: The NM_000018.3:c.343G>C (NP_000009.1:p.Glu115Gln) [GRCH38: NC_000017.11:g.7220924G>C] variant in ACADVL gene is interpretated to be Uncertain Significance based on ACMG guidelines (PMID: 25741868). This variant has been reported. This variant meets the following evidence codes reported in the ACMG guidelines: PP3

NM_000018.4(ACADVL):c.343G>C (p.Glu115Gln)

Gene: ACADVL (acyl-CoA dehydrogenase very long chain; plus strand). Cytogenetic location: 17p13.1.
Variant type: single nucleotide variant.
Coding change: c.343G>C on transcript NM_000018.4 (MANE Select); coding-DNA position 343, G replaced by C.
Protein change: p.Glu115Gln; replaces glutamic acid 115 with glutamine.
Molecular consequence: missense variant.
Genome position (GRCh38, 1-based): chr17:7,220,924, G>C. VCF-style: chr17-7220924-G-C. GRCh37 (hg19) VCF-style: chr17-7124243-G-C.
Other names: c.277G>C, p.Glu93Gln (NM_001033859.3); c.412G>C, p.Glu138Gln (NM_001270447.2); c.115G>C, p.Glu39Gln (NM_001270448.2); short protein forms E138Q, E115Q, E39Q, E93Q.
Identifiers: ClinVar variation 932887 (VCV000932887.4), dbSNP rs370146676, ClinGen allele CA8337682.
Genomic context (GRCh38, chr17:7,220,924, plus strand): 5'-GGTGTTTGGAGATGTTAAGCTCAAAAGGAGCCTGGATGTGGGATCCTGTGCCTTCCCCAG[G>C]AAGTGAACGATCCCGCCAAGAATGACGCTCTGGAGATGGTGGAGGAGACCACTTGGCAGG-3'
Protein context (NP_000009.1, residues 105-125): LVEPVSRFFE[Glu115Gln]VNDPAKNDAL